The following is an entry in ClinVar:

NM_005475.3(SH2B3):c.32C>T (p.Pro11Leu)

Gene: SH2B3 (SH2B adaptor protein 3; plus strand). Cytogenetic location: 12q24.12.
Variant type: single nucleotide variant.
Coding change: c.32C>T on transcript NM_005475.3 (MANE Select); coding-DNA position 32, C replaced by T.
Protein change: p.Pro11Leu; replaces proline 11 with leucine.
Molecular consequence: missense variant.
Genome position (GRCh38, 1-based): chr12:111,418,177, C>T. VCF-style: chr12-111418177-C-T. GRCh37 (hg19) VCF-style: chr12-111855981-C-T.
Other names: short protein forms P11L.
Identifiers: ClinVar variation 3795191 (VCV003795191.1).

ClinVar aggregate classification (germline): Uncertain significance (1 of 4 stars; one submission).

Conditions:
Inborn genetic diseases. Identifiers: MedGen C0950123, MeSH D030342.

gnomAD v4.1: 1 of 1,555,910 alleles (0.000064%); highest among the groups gnomAD compares: Admixed American, 0.0019%; no homozygotes.

Submission:

Ambry Genetics
Classification: Uncertain significance for Inborn genetic diseases. Last evaluated: 2025-02-14. Review status: criteria provided, single submitter. Criteria: Ambry Variant Classification Scheme 2023. Collection method: clinical testing. Allele origin: germline.
Comment: The p.P11L variant (also known as c.32C>T), located in coding exon 1 of the SH2B3 gene, results from a C to T substitution at nucleotide position 32. The proline at codon 11 is replaced by leucine, an amino acid with similar properties. This amino acid position is conserved. In addition, this alteration is predicted to be tolerated by in silico analysis. Based on the available evidence, the clinical significance of this variant remains unclear.